The following is an entry in ClinVar:

ClinVar aggregate classification (germline): Likely benign (1 of 4 stars; one submission).

Allele frequency attached by ClinVar (database versions not stated): gnomAD 0.00026; TOPMed 0.00028.

Submission:

CeGaT Center for Human Genetics Tuebingen
Classification: Likely benign. Last evaluated: 2023-01-01. Review status: criteria provided, single submitter. Criteria: CeGaT Center For Human Genetics Tuebingen Variant Classification Criteria Version 2. Collection method: clinical testing. Allele origin: germline. Affected: yes. Observed: 1 variant allele.
Comment: AR: BS2

NM_000044.6(AR):c.-913C>A

Gene: AR (androgen receptor; plus strand). Cytogenetic location: Xq12.
Variant type: single nucleotide variant.
Coding change: c.-913C>A on transcript NM_000044.6 (MANE Select); 913 bases upstream of the start codon, C replaced by A.
Molecular consequence: 5 prime UTR variant.
Genome position (GRCh38, 1-based): chrX:67,544,234, C>A. VCF-style: chrX-67544234-C-A. GRCh37 (hg19) VCF-style: chrX-66764076-C-A.
Other names: c.-913C>A (NM_001424175.1).
Identifiers: ClinVar variation 2660768 (VCV002660768.24), dbSNP rs1022210006, ClinGen allele CA330757027.